The following is an entry in ClinVar:

NM_198334.3(GANAB):c.666G>A (p.Glu222=)

Gene: GANAB (glucosidase II alpha subunit; minus strand). Cytogenetic location: 11q12.3.
Variant type: single nucleotide variant.
Coding change: c.666G>A on transcript NM_198334.3 (MANE Select); coding-DNA position 666, G replaced by A.
Protein change: p.Glu222=; no amino-acid change (glutamic acid 222 retained).
Molecular consequence: synonymous variant. On other transcripts: 5 prime UTR variant (2).
Genome position (GRCh38, 1-based): chr11:62,633,236, C>T on the plus strand (G>A on the coding strand, the complement: GANAB is on the minus strand). VCF-style: chr11-62633236-C-T. GRCh37 (hg19) VCF-style: chr11-62400708-C-T.
Other names: c.390G>A, p.Glu130= (NM_001278192.2); c.324G>A, p.Glu108= (NM_001278193.2); c.375G>A, p.Glu125= (NM_001278194.2, NM_001329222.2, NM_001329223.2); c.-58G>A (NM_001329224.2, NM_001329225.2); c.732G>A, p.Glu244= (NM_198335.4).
Identifiers: ClinVar variation 3036477 (VCV003036477.2), dbSNP rs1269725522, ClinGen allele CA474875030.

ClinVar aggregate classification (germline): Likely benign (0 of 4 stars; one submission).

Conditions:
GANAB-related disorder. Also called: GANAB-related condition.

Allele frequency attached by ClinVar (database versions not stated): TOPMed below 0.00001.

Submission:

PreventionGenetics, part of Exact Sciences
Classification: Likely benign for GANAB-related condition. Last evaluated: 2020-06-18. Review status: no assertion criteria provided. Collection method: clinical testing. Allele origin: germline.
Comment: This variant is classified as likely benign based on ACMG/AMP sequence variant interpretation guidelines (Richards et al. 2015 PMID: 25741868, with internal and published modifications).